The following is an entry in ClinVar:

NM_001164508.2(NEB):c.1056T>C (p.Tyr352=)

Gene: NEB (nebulin; minus strand). Cytogenetic location: 2q23.3.
Variant type: single nucleotide variant.
Coding change: c.1056T>C on transcript NM_001164508.2 (MANE Select); coding-DNA position 1056, T replaced by C.
Protein change: p.Tyr352=; no amino-acid change (tyrosine 352 retained).
Molecular consequence: synonymous variant.
Genome position (GRCh38, 1-based): chr2:151,706,977, A>G on the plus strand (T>C on the coding strand, the complement: NEB is on the minus strand). VCF-style: chr2-151706977-A-G. GRCh37 (hg19) VCF-style: chr2-152563491-A-G.
Other names: c.1056T>C, p.Tyr352= (NM_001164507.2, NM_001271208.2, NM_004543.5).
Identifiers: ClinVar variation 388949 (VCV000388949.10), dbSNP rs1057523282, ClinGen allele CA16603881.

ClinVar aggregate classification (germline): Likely benign. Review status: criteria provided, multiple submitters, no conflicts (2 of 4 stars). 2 submissions from 2 submitters: Likely benign (2). Last evaluated 2022-06-13.

Conditions:
Nemaline myopathy 2 (NEM2). Also called: Nemaline myopathy 2, autosomal recessive. Identifiers: MedGen C1850569, MONDO:0009725, OMIM 256030.

Allele frequency attached by ClinVar (database versions not stated): TOPMed below 0.00001; gnomAD 0.00001; gnomAD exomes 0.00001 and below 0.00001.
gnomAD v4.1: 14 of 1,585,992 alleles (0.00088%); highest among the groups gnomAD compares: Admixed American, 0.0018%; no homozygotes.

Submissions (2):

Labcorp Genetics (formerly Invitae), Labcorp
Classification: Likely benign for Nemaline myopathy 2. Last evaluated: 2022-06-13. Review status: criteria provided, single submitter. Criteria: Invitae Variant Classification Sherloc (09022015). Collection method: clinical testing. Allele origin: germline.

GeneDx
Classification: Likely benign. Last evaluated: 2016-08-31. Review status: criteria provided, single submitter. Criteria: GeneDx Variant Classification (06012015). Collection method: clinical testing. Allele origin: germline. Affected: yes.
Comment: This variant is considered likely benign or benign based on one or more of the following criteria: it is a conservative change, it occurs at a poorly conserved position in the protein, it is predicted to be benign by multiple in silico algorithms, and/or has population frequency not consistent with disease.